The following is an entry in ClinVar:

ClinVar aggregate classification (germline): Uncertain significance (1 of 4 stars; one submission).

Conditions:
Hereditary cancer-predisposing syndrome. Also called: Neoplastic Syndromes, Hereditary; Tumor predisposition; Hereditary Cancer Syndrome; Hereditary neoplastic syndrome. Identifiers: Orphanet 140162, MedGen C0027672, MeSH D009386, MONDO:0015356.

Submission:

Ambry Genetics
Classification: Uncertain significance for Hereditary cancer-predisposing syndrome. Last evaluated: 2025-11-24. Review status: criteria provided, single submitter. Criteria: Ambry Variant Classification Scheme 2023. Collection method: clinical testing. Allele origin: germline.
Comment: The p.Y276C variant (also known as c.827A>G), located in coding exon 3 of the ALK gene, results from an A to G substitution at nucleotide position 827. The tyrosine at codon 276 is replaced by cysteine, an amino acid with highly dissimilar properties. This amino acid position is conserved. In addition, the in silico prediction for this alteration is inconclusive. Based on the available evidence, the clinical significance of this variant remains unclear.

NM_004304.5(ALK):c.827A>G (p.Tyr276Cys)

Gene: ALK (ALK receptor tyrosine kinase; minus strand). Cytogenetic location: 2p23.2.
Variant type: single nucleotide variant.
Coding change: c.827A>G on transcript NM_004304.5 (MANE Select); coding-DNA position 827, A replaced by G.
Protein change: p.Tyr276Cys; replaces tyrosine 276 with cysteine.
Molecular consequence: missense variant.
Genome position (GRCh38, 1-based): chr2:29,694,975, T>C on the plus strand (A>G on the coding strand, the complement: ALK is on the minus strand). VCF-style: chr2-29694975-T-C. GRCh37 (hg19) VCF-style: chr2-29917841-T-C.
Other names: short protein forms Y276C.
Identifiers: ClinVar variation 4680768 (VCV004680768.1).
Genomic context (GRCh38, chr2:29,694,975, plus strand): 5'-TCGGAGGGGATGCGGCGCCAGGACCAGCTCTGGTTCCTGAGGTCATGCAGTGGAGGGGAA[T>C]ACTCCAGCTCACAGGGGAAGTCAAAGCTGCACTCCAGACCTGCAATAATAGCCAAGGGTC-3'
Protein context (NP_004295.2, residues 266-286): CSFDFPCELE[Tyr276Cys]SPPLHDLRNQ